The following is an entry in ClinVar:

ClinVar aggregate classification (germline): Pathogenic (1 of 4 stars; one submission).

gnomAD v4.1: 2 of 1,613,776 alleles (0.00012%); highest among the groups gnomAD compares: Non-Finnish European, 0.00017%; no homozygotes.

Submission:

Labcorp Genetics (formerly Invitae), Labcorp
Classification: Pathogenic. Last evaluated: 2024-12-17. Review status: criteria provided, single submitter. Criteria: Invitae Variant Classification Sherloc (09022015). Collection method: clinical testing. Allele origin: germline.
Comment: This sequence change affects codon 2280 of the NBAS mRNA. It is a 'silent' change, meaning that it does not change the encoded amino acid sequence of the NBAS protein. RNA analysis indicates that this variant induces altered splicing and likely results in a shortened protein product. This variant is not present in population databases (gnomAD no frequency). This variant has been observed in individual(s) with SOPH syndrome (PMID: 30825388). In at least one individual the data is consistent with being in trans (on the opposite chromosome) from a pathogenic variant. ClinVar contains an entry for this variant (Variation ID: 1458493). Variants that disrupt the consensus splice site are a relatively common cause of aberrant splicing (PMID: 17576681, 9536098). Studies have shown that this variant results in skipping of exon 51, but is expected to preserve the integrity of the reading-frame (PMID: 30825388). For these reasons, this variant has been classified as Pathogenic.

Literature cited by the submitters: PubMed 30825388; PubMed 17576681; PubMed 9536098.

NM_015909.4(NBAS):c.6840G>C (p.Thr2280=)

Gene: NBAS (NBAS subunit of NRZ tethering complex; minus strand). Cytogenetic location: 2p24.3.
Variant type: single nucleotide variant.
Coding change: c.6840G>C on transcript NM_015909.4 (MANE Select); coding-DNA position 6840, G replaced by C.
Protein change: p.Thr2280=; no amino-acid change (threonine 2280 retained).
Molecular consequence: synonymous variant. On other transcripts: non-coding transcript variant (1).
Genome position (GRCh38, 1-based): chr2:15,178,988, C>G on the plus strand (G>C on the coding strand, the complement: NBAS is on the minus strand). VCF-style: chr2-15178988-C-G. GRCh37 (hg19) VCF-style: chr2-15319112-C-G.
Identifiers: ClinVar variation 1458493 (VCV001458493.6), dbSNP rs776597537, ClinGen allele CA43163993.